The following is an entry in ClinVar:

NM_000203.5(IDUA):c.943G>T (p.Asp315Tyr)

Gene: IDUA (alpha-L-iduronidase; plus strand). Cytogenetic location: 4p16.3.
Variant type: single nucleotide variant.
Coding change: c.943G>T on transcript NM_000203.5 (MANE Select); coding-DNA position 943, G replaced by T.
Protein change: p.Asp315Tyr; replaces aspartic acid 315 with tyrosine.
Molecular consequence: missense variant. On other transcripts: non-coding transcript variant (1).
Genome position (GRCh38, 1-based): chr4:1,002,132, G>T. VCF-style: chr4-1002132-G-T. GRCh37 (hg19) VCF-style: chr4-995920-G-T.
Other names: NM_001363576.1:c.547G>T; c.547G>T, p.Asp183Tyr (NM_001363576.1); short protein forms D183Y, D315Y.
Identifiers: ClinVar variation 4539822 (VCV004539822.1).

ClinVar aggregate classification (germline): Likely pathogenic (3 of 4 stars; one submission).

Conditions:
Mucopolysaccharidosis type 1. Also called: IDUA deficiency; MPS I. Identifiers: Orphanet 579, MedGen C0023786, MONDO:0001586.

Submission:

ClinGen Lysosomal Storage Disorder Variant Curation Expert Panel
Classification: Likely pathogenic for Mucopolysaccharidosis type 1. Last evaluated: 2025-12-15. Review status: reviewed by expert panel. Criteria: ClinGen LSD ACMG Specifications IDUA V1.1.0. Collection method: curation. Allele origin: germline. Inheritance: Autosomal recessive inheritance.
Comment: The NM_000203.5:c.943G>T variant in IDUA is a missense variant resulting in substitution of aspartate by tyrosine p.(Asp315Tyr). The variant has been detected in at least two probands with MPS I (PMIDs: 19396826, 24480078, 8680403, 29906569). One patient is reported to have clinical features consistent with severe MPS I (Hurler syndrome) including short stature, macrocephaly, joint stiffness, delayed mental development, hepatosplenomegaly, umbilical hernia, progressive deafness, dysostosis multiplex, and corneal clouding. The diagnosis "was confirmed biochemically" by increased urine dermatan and heparan sulfate and deficiency IDUA activity,; however, no values were provided (PMID: 19396826) (PP4). This individuals is compound heterozygous for the variant and a second variant that has been classified as pathogenic by the ClinGen Lysosomal Diseases VCEP, c.208C>T (p.Gln70Ter) (PMIDs: 19396826, 24480078, 8680403); confirmed in trans (1 point) (PM3). The second proband is compound heterozygous for the variant and c.653T>C (p.Leu218Pro) (PMID: 29906569). The allelic data from this patient may be used in the classification of p.Leu218Pro and is not included here to avoid circular logic. The variant is absent in gnomAD v4.1.0. (PM2_Supporting). The computational predictor REVEL gives a score of 0.82, which is above the threshold of 0.773, providing evidence that correlates with impact on IDUA function at the moderate level, based on the specifications of the ClinGen Lysosomal Diseases VCEP (PMID: 36413997) (PP3_Moderate). When transiently expressed in CHO cells, the variant resulted in <1% activity compared to wild type (PMID: 19396826 (PS3_Supporting). In summary, this variant meets the criteria to be classified as Likely Pathogenic for MPS I based on the IDUA-specific ACMG/AMP criteria applied, as specified by the ClinGen Lysosomal Disease Variant Curation Expert Panel (Specifications version 1.1.0): PM3, PP3_Moderate, PP4, PS3_Supporting, PM2_Supporting. (Classification approved by the ClinGen Lysosomal Disease Variant Curation Expert Panel on December 15, 2025)